The following is an entry in ClinVar:

ClinVar aggregate classification (germline): Likely benign. Review status: criteria provided, multiple submitters, no conflicts (2 of 4 stars). 4 submissions from 4 submitters: Likely benign (4). Last evaluated 2026-02-03.

Conditions:
Hypercholesterolemia, autosomal dominant, 3 (FHCL3). Also called: Familial Hypercholesterolemia, Autosomal Dominant, 3; PCSK9-Related Familial Hypercholesterolemia, Autosomal Dominant; Familial hypercholesterolemia 3. Identifiers: MedGen C1863551, MONDO:0011369, OMIM 603776.
Familial hypercholesterolemia. Also called: Familial hypercholesterolemias; Familial hypercholesterolaemia. Identifiers: MedGen C0020445, MONDO:0005439.

Allele frequency attached by ClinVar (database versions not stated): gnomAD 0.00001; gnomAD exomes 0.00001 and 0.00006; TOPMed 0.00001; ExAC 0.00008.
gnomAD v4.1: 21 of 1,611,924 alleles (0.0013%); highest among the groups gnomAD compares: East Asian, 0.011%; no homozygotes.

Submissions (4):

Labcorp Genetics (formerly Invitae), Labcorp
Classification: Likely benign for Hypercholesterolemia, autosomal dominant, 3. Last evaluated: 2026-02-03. Review status: criteria provided, single submitter. Criteria: Invitae Variant Classification Sherloc (09022015). Collection method: clinical testing. Allele origin: germline.

All of Us Research Program, National Institutes of Health
Classification: Likely benign for Hypercholesterolemia, autosomal dominant, 3. Last evaluated: 2023-11-02. Review status: criteria provided, single submitter. Criteria: ACMG Guidelines, 2015. Collection method: clinical testing. Allele origin: germline. Inheritance: Autosomal dominant inheritance. Observed: 1 variant allele, 1 heterozygote.
Comment: This study involves interpretation of variants in research participants for the purpose of population health screening. Participant phenotype was not available at the time of variant classification. Additional details can be found in publication PMID: 35346344, PMCID: PMC8962531

Fulgent Genetics
Classification: Likely benign for Hypercholesterolemia, autosomal dominant, 3. Last evaluated: 2021-07-14. Review status: criteria provided, single submitter. Criteria: ACMG Guidelines, 2015. Collection method: clinical testing. Allele origin: unknown.

Color Diagnostics, LLC DBA Color Health
Classification: Likely benign for Familial hypercholesterolemia. Last evaluated: 2020-01-21. Review status: criteria provided, single submitter. Criteria: ACMG Guidelines, 2015. Collection method: clinical testing. Allele origin: germline.

NM_174936.4(PCSK9):c.1423G>A (p.Ala475Thr)

Gene: PCSK9 (proprotein convertase subtilisin/kexin type 9; plus strand). Cytogenetic location: 1p32.3.
Variant type: single nucleotide variant.
Coding change: c.1423G>A on transcript NM_174936.4 (MANE Select); coding-DNA position 1423, G replaced by A.
Protein change: p.Ala475Thr; replaces alanine 475 with threonine.
Molecular consequence: missense variant.
Genome position (GRCh38, 1-based): chr1:55,058,567, G>A. VCF-style: chr1-55058567-G-A. GRCh37 (hg19) VCF-style: chr1-55524240-G-A.
Other names: c.1546G>A, p.Ala516Thr (NM_001407240.1); c.1423G>A, p.Ala475Thr (NM_001407241.1); c.1426G>A, p.Ala476Thr (NM_001407242.1); c.1366G>A, p.Ala456Thr (NM_001407243.1); c.1249G>A, p.Ala417Thr (NM_001407244.1); c.1231G>A, p.Ala411Thr (NM_001407245.1); c.1048G>A, p.Ala350Thr (NM_001407246.1); short protein forms A475T, A350T, A417T, A516T, A411T, A456T, A476T.
Identifiers: ClinVar variation 630161 (VCV000630161.18), dbSNP rs773699134, ClinGen allele CA036937.